The following is an entry in ClinVar:

NM_004004.6(GJB2):c.345dup (p.Lys116Ter)

Gene: GJB2 (gap junction protein beta 2; minus strand). Cytogenetic location: 13q12.11.
Variant type: Duplication.
Coding change: c.345dup on transcript NM_004004.6 (MANE Select); coding-DNA position 345, one base duplicated (T; older notation c.345dupT).
Protein change: p.Lys116Ter; replaces lysine 116 with a stop codon.
Molecular consequence: nonsense.
Genome position (GRCh38, 1-based): chr13:20,189,237, A duplicated on the plus strand (T on the coding strand, the reverse complement: GJB2 is on the minus strand); the first of 3 consecutive A bases (chr13:20,189,237-20,189,239); duplicating any one gives the same sequence. VCF-style (leftmost placement, unchanged base first): chr13-20189236-T-TA. GRCh37 (hg19) VCF-style: chr13-20763375-T-TA.
Other names: short protein forms K116*.
Identifiers: ClinVar variation 2735993 (VCV002735993.3), dbSNP rs2500250876, ClinGen allele CA2695217676.

ClinVar aggregate classification (germline): Pathogenic (1 of 4 stars; one submission).

Submission:

Labcorp Genetics (formerly Invitae), Labcorp
Classification: Pathogenic. Last evaluated: 2024-01-26. Review status: criteria provided, single submitter. Criteria: Invitae Variant Classification Sherloc (09022015). Collection method: clinical testing. Allele origin: germline.
Comment: This sequence change creates a premature translational stop signal (p.Lys116*) in the GJB2 gene. While this is not anticipated to result in nonsense mediated decay, it is expected to disrupt the last 111 amino acid(s) of the GJB2 protein. This variant is not present in population databases (gnomAD no frequency). This premature translational stop signal has been observed in individual(s) with GJB2-related conditions (PMID: 19877196). This variant disrupts a region of the GJB2 protein in which other variant(s) ( p.Gln124* ) have been determined to be pathogenic (PMID: 9600457). This suggests that this is a clinically significant region of the protein, and that variants that disrupt it are likely to be disease-causing. For these reasons, this variant has been classified as Pathogenic.

Literature cited by the submitters: PubMed 19877196; PubMed 9600457.